The following is an entry in ClinVar:

ClinVar aggregate classification (germline): Benign/Likely benign. Review status: criteria provided, multiple submitters, no conflicts (2 of 4 stars). 5 submissions from 5 submitters: Benign (2); Likely benign (2). 1 of the submissions does not count toward it. Last evaluated 2026-02-04.

Conditions:
GALE-related disorder. Also called: GALE-related condition.
UDPglucose-4-epimerase deficiency. Also called: GALACTOSEMIA III; GALE DEFICIENCY; UDP-GALACTOSE-4-EPIMERASE DEFICIENCY; Epimerase Deficiency Galactosemia; Galactose epimerase deficiency; UDPglucose 4-Epimerase Deficiency Disease. Identifiers: Orphanet 352, Orphanet 79238, MedGen C0751161, MONDO:0009257, OMIM 230350.

Allele frequency attached by ClinVar (database versions not stated): gnomAD exomes 0.00088; ExAC 0.00112; gnomAD 0.00268 and 0.00283; TOPMed 0.00308; ESP Exome Variant Server 0.00377; 1000 Genomes Project 30x 0.00422; 1000 Genomes Project 0.00459.
gnomAD v4.1: 901 of 1,613,028 alleles (0.056%); highest among the groups gnomAD compares: African/African-American, 0.95%; 8 homozygotes.

Submissions (5):

Labcorp Genetics (formerly Invitae), Labcorp
Classification: Benign for UDPglucose-4-epimerase deficiency. Last evaluated: 2026-02-04. Review status: criteria provided, single submitter. Criteria: Invitae Variant Classification Sherloc (09022015). Collection method: clinical testing. Allele origin: germline.

Illumina Laboratory Services, Illumina
Classification: Likely benign for UDPglucose-4-epimerase deficiency. Last evaluated: 2018-01-13. Review status: criteria provided, single submitter. Criteria: ICSL Variant Classification Criteria 13 December 2019. Collection method: clinical testing. Allele origin: germline.
Comment: This variant was observed in the ICSL laboratory as part of a predisposition screen in an ostensibly healthy population. It had not been previously curated by ICSL or reported in the Human Gene Mutation Database (HGMD: prior to June 1st, 2018), and was therefore a candidate for classification through an automated scoring system. Utilizing variant allele frequency, disease prevalence and penetrance estimates, and inheritance mode, an automated score was calculated to assess if this variant is too frequent to cause the disease. Based on the score and internal cut-off values, a variant classified as likely benign is not then subjected to further curation. The score for this variant resulted in a classification of likely benign for this disease.

Eurofins Ntd Llc (ga)
Classification: Benign. Last evaluated: 2015-03-03. Review status: criteria provided, single submitter. Criteria: EGL Classification Definitions 2015. Collection method: clinical testing. Allele origin: germline. Observed: 1 variant allele, 1 heterozygote.

Breakthrough Genomics
Classification: Likely benign. Review status: criteria provided, single submitter. Criteria: ACMG Guidelines, 2015. Collection method: not provided. Allele origin: germline. Inheritance: Autosomal recessive inheritance. Affected: yes.

PreventionGenetics, part of Exact Sciences
Classification: Benign for GALE-related condition. Last evaluated: 2020-01-20. Review status: no assertion criteria provided. Collection method: clinical testing. Allele origin: germline. Not counted in ClinVar's aggregate classification.
Comment: This variant is classified as benign based on ACMG/AMP sequence variant interpretation guidelines (Richards et al. 2015 PMID: 25741868, with internal and published modifications).

NM_001008216.2(GALE):c.772C>T (p.Leu258=)

Gene: GALE (UDP-galactose-4-epimerase; minus strand). Cytogenetic location: 1p36.11.
Variant type: single nucleotide variant.
Coding change: c.772C>T on transcript NM_001008216.2 (MANE Select); coding-DNA position 772, C replaced by T.
Protein change: p.Leu258=; no amino-acid change (leucine 258 retained).
Molecular consequence: synonymous variant.
Genome position (GRCh38, 1-based): chr1:23,796,720, G>A on the plus strand (C>T on the coding strand, the complement: GALE is on the minus strand). VCF-style: chr1-23796720-G-A. GRCh37 (hg19) VCF-style: chr1-24123210-G-A.
Other names: c.772C>T, p.Leu258= (NM_000403.4, NM_001127621.2).
Identifiers: ClinVar variation 199016 (VCV000199016.22), dbSNP rs147618796, ClinGen allele CA203709.